The following is an entry in ClinVar:

NM_022114.4(PRDM16):c.260G>A (p.Arg87Gln)

Gene: PRDM16 (PR/SET domain 16; plus strand). Cytogenetic location: 1p36.32.
Variant type: single nucleotide variant.
Coding change: c.260G>A on transcript NM_022114.4 (MANE Select); coding-DNA position 260, G replaced by A.
Protein change: p.Arg87Gln; replaces arginine 87 with glutamine.
Molecular consequence: missense variant.
Genome position (GRCh38, 1-based): chr1:3,186,347, G>A. VCF-style: chr1-3186347-G-A. GRCh37 (hg19) VCF-style: chr1-3102911-G-A.
Other names: c.260G>A, p.Arg87Gln (NM_199454.3); short protein forms R87Q.
Identifiers: ClinVar variation 3718113 (VCV003718113.2).

ClinVar aggregate classification (germline): Uncertain significance (1 of 4 stars; one submission).

Conditions:
Left ventricular noncompaction 8 (LVNC8). Identifiers: Orphanet 154, Orphanet 54260, MedGen C3809288, MONDO:0014152, OMIM 615373.

gnomAD v4.1: 17 of 1,612,232 alleles (0.0011%); highest among the groups gnomAD compares: East Asian, 0.0022%; no homozygotes.

Submission:

Labcorp Genetics (formerly Invitae), Labcorp
Classification: Uncertain significance for Left ventricular noncompaction 8. Last evaluated: 2024-11-19. Review status: criteria provided, single submitter. Criteria: Invitae Variant Classification Sherloc (09022015). Collection method: clinical testing. Allele origin: germline.
Comment: This sequence change replaces arginine, which is basic and polar, with glutamine, which is neutral and polar, at codon 87 of the PRDM16 protein (p.Arg87Gln). This variant is present in population databases (rs764659440, gnomAD 0.002%). This variant has not been reported in the literature in individuals affected with PRDM16-related conditions. An algorithm developed to predict the effect of missense changes on protein structure and function (PolyPhen-2) suggests that this variant is likely to be disruptive. In summary, the available evidence is currently insufficient to determine the role of this variant in disease. Therefore, it has been classified as a Variant of Uncertain Significance.